The following is an entry in ClinVar:

NM_080680.3(COL11A2):c.4469C>T (p.Pro1490Leu)

Gene: COL11A2 (collagen type XI alpha 2 chain; minus strand). Cytogenetic location: 6p21.32.
Variant type: single nucleotide variant.
Coding change: c.4469C>T on transcript NM_080680.3 (MANE Select); coding-DNA position 4469, C replaced by T.
Protein change: p.Pro1490Leu; replaces proline 1490 with leucine.
Molecular consequence: missense variant.
Genome position (GRCh38, 1-based): chr6:33,165,944, G>A on the plus strand (C>T on the coding strand, the complement: COL11A2 is on the minus strand). VCF-style: chr6-33165944-G-A. GRCh37 (hg19) VCF-style: chr6-33133721-G-A.
Other names: c.4148C>T, p.Pro1383Leu (NM_080679.3); c.4211C>T, p.Pro1404Leu (NM_080681.3); short protein forms P1404L, P1383L, P1490L.
Identifiers: ClinVar variation 2129248 (VCV002129248.4), dbSNP rs1769064719, ClinGen allele CA363619474.

ClinVar aggregate classification (germline): Uncertain significance (1 of 4 stars; one submission).

Submission:

Labcorp Genetics (formerly Invitae), Labcorp
Classification: Uncertain significance. Last evaluated: 2022-04-22. Review status: criteria provided, single submitter. Criteria: Invitae Variant Classification Sherloc (09022015). Collection method: clinical testing. Allele origin: germline.
Comment: In summary, the available evidence is currently insufficient to determine the role of this variant in disease. Therefore, it has been classified as a Variant of Uncertain Significance. Advanced modeling of protein sequence and biophysical properties (such as structural, functional, and spatial information, amino acid conservation, physicochemical variation, residue mobility, and thermodynamic stability) performed at Invitae indicates that this missense variant is not expected to disrupt COL11A2 protein function. This variant has not been reported in the literature in individuals affected with COL11A2-related conditions. This variant is not present in population databases (gnomAD no frequency). This sequence change replaces proline, which is neutral and non-polar, with leucine, which is neutral and non-polar, at codon 1490 of the COL11A2 protein (p.Pro1490Leu).